The following is an entry in ClinVar:

NM_000540.3(RYR1):c.7835+5_7835+9del

Gene: RYR1 (ryanodine receptor 1; plus strand). Cytogenetic location: 19q13.2.
Variant type: Deletion.
Coding change: c.7835+5_7835+9del on transcript NM_000540.3 (MANE Select); bases 5 to 9 of the intron after coding-DNA position 7835, 5 bases deleted (AGCGG; older notation c.7835+5_7835+9delAGCGG).
Molecular consequence: intron variant.
Genome position (GRCh38, 1-based): chr19:38,502,732-38,502,736, AGCGG deleted; deleting any 5 consecutive bases within chr19:38,502,730-38,502,736 gives the same sequence; the c. name uses the placement nearest the transcript's 3' end. VCF-style (leftmost placement, unchanged base first): chr19-38502729-TGGAGC-T. GRCh37 (hg19) VCF-style: chr19-38993369-TGGAGC-T.
Other names: c.7835+5_7835+9del (NM_001042723.2).
Identifiers: ClinVar variation 3070157 (VCV003070157.4), dbSNP rs1346380289, ClinGen allele CA633066203.

ClinVar aggregate classification (germline): Conflicting classifications of pathogenicity. Review status: criteria provided, conflicting classifications (1 of 4 stars). 3 submissions from 3 submitters: Uncertain significance (2); Likely benign (1). Last evaluated 2024-09-23.

Conditions:
Malignant hyperthermia, susceptibility to, 1 (MHS1). Also called: Malignant hyperthermia suceptibility 1; Anesthesia related hyperthermia; Malignant hyperpyrexia; Fulminating hyperpyrexia; Pharmacogenic myopathy; RYR1-Related Malignant Hyperthermia Susceptibility. Identifiers: Orphanet 423, MedGen C2930980, MONDO:0007783, OMIM 145600.

Submissions (3):

All of Us Research Program, National Institutes of Health
Classification: Uncertain significance for Malignant hyperthermia, susceptibility to, 1. Last evaluated: 2024-09-23. Review status: criteria provided, single submitter. Criteria: ACMG Guidelines, 2015. Collection method: clinical testing. Allele origin: germline. Inheritance: Autosomal dominant inheritance. Observed: 25 variant alleles, 24 heterozygotes, 1 homozygote.
Comment: This variant causes the deletion of 5 nucleotides between the +5 and +9 positions of intron 48 in the RYR1 gene. To our knowledge, functional studies have not been reported for this variant. This variant has not been reported in individuals affected with RYR1-related disorders in the literature. This variant has been identified in 4/253922 chromosomes in the general population by the Genome Aggregation Database (gnomAD). The available evidence is insufficient to determine the role of this variant in disease conclusively. Therefore, this variant is classified as a Variant of Uncertain Significance.

This study involves interpretation of variants in research participants for the purpose of population health screening. Participant phenotype was not available at the time of variant classification. Additional details can be found in publication PMID: 35346344, PMCID: PMC8962531

Blueprint Genetics
Classification: Likely benign. Last evaluated: 2024-09-06. Review status: criteria provided, single submitter. Criteria: ACMG Guidelines, 2015. Collection method: clinical testing. Allele origin: germline.

Color Diagnostics, LLC DBA Color Health
Classification: Uncertain significance for Malignant hyperthermia, susceptibility to, 1. Last evaluated: 2024-04-18. Review status: criteria provided, single submitter. Criteria: ACMG Guidelines, 2015. Collection method: clinical testing. Allele origin: germline.
Comment: This variant causes the deletion of 5 nucleotides between the +5 and +9 positions of intron 48 in the RYR1 gene. To our knowledge, functional studies have not been reported for this variant. This variant has not been reported in individuals affected with RYR1-related disorders in the literature. This variant has been identified in 4/253922 chromosomes in the general population by the Genome Aggregation Database (gnomAD). The available evidence is insufficient to determine the role of this variant in disease conclusively. Therefore, this variant is classified as a Variant of Uncertain Significance.